The following is an entry in ClinVar:

NM_015072.5(TTLL5):c.2251del (p.Gln751fs)

Gene: TTLL5 (tubulin tyrosine ligase like 5; plus strand). Cytogenetic location: 14q24.3.
Variant type: Deletion.
Coding change: c.2251del on transcript NM_015072.5 (MANE Select); coding-DNA position 2251, one base deleted (C; older notation c.2251delC).
Protein change: p.Gln751fs; shifts the reading frame from glutamine 751.
Molecular consequence: frameshift variant.
Genome position (GRCh38, 1-based): chr14:75,775,598, C deleted; the last of 2 consecutive C bases (chr14:75,775,597-75,775,598); deleting either gives the same sequence. VCF-style (leftmost placement, unchanged base first): chr14-75775596-AC-A. GRCh37 (hg19) VCF-style: chr14-76241939-AC-A.
Other names: short protein forms Q751fs.
Identifiers: ClinVar variation 2051381 (VCV002051381.4), dbSNP rs2503278888, ClinGen allele CA2580088770.

ClinVar aggregate classification (germline): Pathogenic (1 of 4 stars; one submission).

Submission:

Labcorp Genetics (formerly Invitae), Labcorp
Classification: Pathogenic. Last evaluated: 2024-10-24. Review status: criteria provided, single submitter. Criteria: Invitae Variant Classification Sherloc (09022015). Collection method: clinical testing. Allele origin: germline.
Comment: This sequence change creates a premature translational stop signal (p.Gln751Serfs*33) in the TTLL5 gene. It is expected to result in an absent or disrupted protein product. Loss-of-function variants in TTLL5 are known to be pathogenic (PMID: 24791901, 27162334). This variant is not present in population databases (gnomAD no frequency). This variant has not been reported in the literature in individuals affected with TTLL5-related conditions. ClinVar contains an entry for this variant (Variation ID: 2051381). For these reasons, this variant has been classified as Pathogenic.

Literature cited by the submitters: PubMed 24791901; PubMed 27162334.